The following is an entry in ClinVar:

NM_001128228.3(TPRN):c.1929G>A (p.Val643=)

Gene: TPRN (taperin; minus strand). Cytogenetic location: 9q34.3.
Variant type: single nucleotide variant.
Coding change: c.1929G>A on transcript NM_001128228.3 (MANE Select); coding-DNA position 1929, G replaced by A.
Protein change: p.Val643=; no amino-acid change (valine 643 retained).
Molecular consequence: synonymous variant.
Genome position (GRCh38, 1-based): chr9:137,192,488, C>T on the plus strand (G>A on the coding strand, the complement: TPRN is on the minus strand). VCF-style: chr9-137192488-C-T. GRCh37 (hg19) VCF-style: chr9-140086940-C-T.
Identifiers: ClinVar variation 165577 (VCV000165577.19), dbSNP rs115446132, ClinGen allele CA178316.
Genomic context (GRCh38, chr9:137,192,488, plus strand): 5'-CTGTCCCCCAGGTGGGCACTCACCTGAGCTACCCTCTGGCAGCCGAGAGCTCTCGGGTCT[C>T]ACGCTGCTCACAAACGTGGCCCGGGGCAGGAAGAGTGCAAAGGGCTTCTCCTCTGAGCCG-3'
Protein context (NP_001121700.2, residues 633-653): FLPRATFVSS[Val643=]RPESSRLPEG

ClinVar aggregate classification (germline): Benign. Review status: criteria provided, multiple submitters, no conflicts (2 of 4 stars). 5 submissions from 5 submitters: Benign (4). 1 of the submissions does not count toward it. Last evaluated 2026-01-24.

Conditions:
TPRN-related disorder. Also called: TPRN-related condition.

Allele frequency attached by ClinVar (database versions not stated): gnomAD exomes 0.00039 and 0.00098; ExAC 0.00131; ESP Exome Variant Server 0.00369; 1000 Genomes Project 0.00399; 1000 Genomes Project 30x 0.00406; gnomAD 0.00430 and 0.00458; TOPMed 0.00493.
gnomAD v4.1: 1,236 of 1,605,826 alleles (0.077%); highest among the groups gnomAD compares: African/African-American, 1.4%; 14 homozygotes.

Submissions (5):

Labcorp Genetics (formerly Invitae), Labcorp
Classification: Benign. Last evaluated: 2026-01-24. Review status: criteria provided, single submitter. Criteria: Invitae Variant Classification Sherloc (09022015). Collection method: clinical testing. Allele origin: germline.

GeneDx
Classification: Benign. Last evaluated: 2019-07-18. Review status: criteria provided, single submitter. Criteria: GeneDx Variant Classification Process June 2021. Collection method: clinical testing. Allele origin: germline. Affected: yes.

Laboratory for Molecular Medicine, Mass General Brigham Personalized Medicine
Classification: Benign. Last evaluated: 2012-05-07. Review status: criteria provided, single submitter. Criteria: LMM Criteria. Collection method: clinical testing. Allele origin: germline. Observed: 5 variant alleles.
Comment: "Val643Val in Exon 02 of TPRN: This variant is not expected to have clinical sig nificance because it does not alter an amino acid residue, is not located within the splice consensus sequence, and has been identified in 1.1% (42/3736) of Afr ican American chromosomes from a broad population by the NHLBI Exome Sequencing Project (dbSNP rs115446132)."

Breakthrough Genomics
Classification: Benign. Review status: criteria provided, single submitter. Criteria: ACMG Guidelines, 2015. Collection method: not provided. Allele origin: germline. Inheritance: Autosomal recessive inheritance. Affected: yes.

PreventionGenetics, part of Exact Sciences
Classification: Benign for TPRN-related condition. Last evaluated: 2019-07-30. Review status: no assertion criteria provided. Collection method: clinical testing. Allele origin: germline. Not counted in ClinVar's aggregate classification.
Comment: This variant is classified as benign based on ACMG/AMP sequence variant interpretation guidelines (Richards et al. 2015 PMID: 25741868, with internal and published modifications).